The following is an entry in ClinVar:

ClinVar aggregate classification (germline): Conflicting classifications of pathogenicity. Review status: criteria provided, conflicting classifications (1 of 4 stars). 4 submissions from 4 submitters: Uncertain significance (3); Likely benign (1). Last evaluated 2024-05-24.

Conditions:
Autosomal recessive distal renal tubular acidosis. Identifiers: Orphanet 402041, MedGen C1864498, MONDO:0018440.
Renal tubular acidosis, distal, 3, with or without sensorineural hearing loss (DRTA3). Identifiers: MedGen C5399980, MONDO:0011268, OMIM 602722.

Allele frequency attached by ClinVar (database versions not stated): gnomAD 0.00026; ESP Exome Variant Server 0.00031; TOPMed 0.00040; 1000 Genomes Project 30x 0.00047; 1000 Genomes Project 0.00060.
gnomAD v4.1: 138 of 1,609,916 alleles (0.0086%); highest among the groups gnomAD compares: African/African-American, 0.14%; 1 homozygote.

Submissions (4):

Fulgent Genetics
Classification: Likely benign for Renal tubular acidosis, distal, 3, with or without sensorineural hearing loss. Last evaluated: 2024-05-24. Review status: criteria provided, single submitter. Criteria: ACMG Guidelines, 2015. Collection method: clinical testing. Allele origin: germline.

Labcorp Genetics (formerly Invitae), Labcorp
Classification: Uncertain significance. Last evaluated: 2022-05-15. Review status: criteria provided, single submitter. Criteria: Invitae Variant Classification Sherloc (09022015). Collection method: clinical testing. Allele origin: germline.
Comment: This sequence change falls in intron 3 of the ATP6V0A4 gene. It does not directly change the encoded amino acid sequence of the ATP6V0A4 protein. It affects a nucleotide within the consensus splice site. This variant is present in population databases (rs186717040, gnomAD 0.1%). This variant has not been reported in the literature in individuals affected with ATP6V0A4-related conditions. ClinVar contains an entry for this variant (Variation ID: 359032). Variants that disrupt the consensus splice site are a relatively common cause of aberrant splicing (PMID: 17576681, 9536098). Algorithms developed to predict the effect of sequence changes on RNA splicing suggest that this variant is not likely to affect RNA splicing. In summary, the available evidence is currently insufficient to determine the role of this variant in disease. Therefore, it has been classified as a Variant of Uncertain Significance.

GeneDx
Classification: Uncertain significance. Last evaluated: 2021-01-26. Review status: criteria provided, single submitter. Criteria: GeneDx Variant Classification Process June 2021. Collection method: clinical testing. Allele origin: germline. Affected: yes.
Comment: In silico analysis supports a deleterious effect on splicing; Has not been previously published as pathogenic or benign to our knowledge

Illumina Laboratory Services, Illumina
Classification: Uncertain significance for Renal tubular acidosis, distal, 3, with or without sensorineural hearing loss. Last evaluated: 2018-01-12. Review status: criteria provided, single submitter. Criteria: ICSL Variant Classification Criteria 13 December 2019. Collection method: clinical testing. Allele origin: germline.

Literature cited by the submitters: PubMed 17576681 (cited by Labcorp Genetics (formerly Invitae), Labcorp); PubMed 9536098 (cited by Labcorp Genetics (formerly Invitae), Labcorp).

NM_020632.3(ATP6V0A4):c.118-3T>A

Gene: ATP6V0A4 (ATPase H+ transporting V0 subunit a4; minus strand). Cytogenetic location: 7q34.
Variant type: single nucleotide variant.
Coding change: c.118-3T>A on transcript NM_020632.3 (MANE Select); 3 bases into the intron before coding-DNA position 118, T replaced by A.
Molecular consequence: intron variant.
Genome position (GRCh38, 1-based): chr7:138,769,254, A>T on the plus strand (T>A on the coding strand, the complement: ATP6V0A4 is on the minus strand). VCF-style: chr7-138769254-A-T. GRCh37 (hg19) VCF-style: chr7-138453999-A-T.
Other names: c.118-3T>A (NM_130840.3, NM_130841.3).
Identifiers: ClinVar variation 359032 (VCV000359032.9), dbSNP rs186717040, ClinGen allele CA4505235.